The following is an entry in ClinVar:

ClinVar aggregate classification (germline): Uncertain significance (1 of 4 stars; one submission).

Conditions:
Congenital myopathy with internal nuclei and atypical cores. Also called: Myopathy, centronuclear, 4. Identifiers: Orphanet 319160, MedGen C4707232, MONDO:0013890, OMIM 614807.

Submission:

Labcorp Genetics (formerly Invitae), Labcorp
Classification: Uncertain significance for Congenital myopathy with internal nuclei and atypical cores. Last evaluated: 2020-02-21. Review status: criteria provided, single submitter. Criteria: Invitae Variant Classification Sherloc (09022015). Collection method: clinical testing. Allele origin: germline.
Comment: This sequence change affects codon 89 of the CCDC78 mRNA. It is a 'silent' change, meaning that it does not change the encoded amino acid sequence of the CCDC78 protein. This variant also falls at the last nucleotide of exon 3 of the CCDC78 coding sequence, which is part of the consensus splice site for this exon. This variant is not present in population databases (ExAC no frequency). This variant has not been reported in the literature in individuals with CCDC78-related conditions. Nucleotide substitutions within the consensus splice site are a relatively common cause of aberrant splicing (PMID: 17576681, 9536098). Algorithms developed to predict the effect of sequence changes on RNA splicing suggest that this variant may disrupt the consensus splice site, but this prediction has not been confirmed by published transcriptional studies. In summary, the available evidence is currently insufficient to determine the role of this variant in disease. Therefore, it has been classified as a Variant of Uncertain Significance.

Literature cited by the submitters: PubMed 17576681; PubMed 9536098.

NM_001378030.1(CCDC78):c.267G>A (p.Glu89=)

Gene: CCDC78 (coiled-coil domain containing 78; minus strand). Cytogenetic location: 16p13.3.
Variant type: single nucleotide variant.
Coding change: c.267G>A on transcript NM_001378030.1 (MANE Select); coding-DNA position 267, G replaced by A.
Protein change: p.Glu89=; no amino-acid change (glutamic acid 89 retained).
Molecular consequence: synonymous variant. On other transcripts: 5 prime UTR variant (1), non-coding transcript variant (5).
Genome position (GRCh38, 1-based): chr16:725,794, C>T on the plus strand (G>A on the coding strand, the complement: CCDC78 is on the minus strand). VCF-style: chr16-725794-C-T. GRCh37 (hg19) VCF-style: chr16-775794-C-T.
Other names: c.267G>A, p.Glu89= (NM_001031737.3, NM_001378031.1); c.-19G>A (NM_001378033.1).
Identifiers: ClinVar variation 853628 (VCV000853628.5), dbSNP rs1246932109, ClinGen allele CA493013670.